The following is an entry in ClinVar:

ClinVar aggregate classification (germline): Uncertain significance (1 of 4 stars; one submission).

Conditions:
Inborn genetic diseases. Identifiers: MedGen C0950123, MeSH D030342.

gnomAD v4.1: 4 of 1,553,178 alleles (0.00026%); highest among the groups gnomAD compares: African/African-American, 0.0055%; no homozygotes.

Submission:

Ambry Genetics
Classification: Uncertain significance for Inborn genetic diseases. Last evaluated: 2024-11-18. Review status: criteria provided, single submitter. Criteria: Ambry Variant Classification Scheme 2023. Collection method: clinical testing. Allele origin: germline.
Comment: The p.L558S variant (also known as c.1673T>C), located in coding exon 11 of the LTBP3 gene, results from a T to C substitution at nucleotide position 1673. The leucine at codon 558 is replaced by serine, an amino acid with dissimilar properties. This amino acid position is conserved. In addition, the in silico prediction for this alteration is inconclusive. Based on the available evidence, the clinical significance of this variant remains unclear.

NM_001130144.3(LTBP3):c.1673T>C (p.Leu558Ser)

Gene: LTBP3 (latent transforming growth factor beta binding protein 3; minus strand). Cytogenetic location: 11q13.1.
Variant type: single nucleotide variant.
Coding change: c.1673T>C on transcript NM_001130144.3 (MANE Select); coding-DNA position 1673, T replaced by C.
Protein change: p.Leu558Ser; replaces leucine 558 with serine.
Molecular consequence: missense variant.
Genome position (GRCh38, 1-based): chr11:65,551,173, A>G on the plus strand (T>C on the coding strand, the complement: LTBP3 is on the minus strand). VCF-style: chr11-65551173-A-G. GRCh37 (hg19) VCF-style: chr11-65318644-A-G.
Other names: c.1322T>C, p.Leu441Ser (NM_001164266.1); c.1673T>C, p.Leu558Ser (NM_021070.4); short protein forms L441S, L558S.
Identifiers: ClinVar variation 3541124 (VCV003541124.1).
Genomic context (GRCh38, chr11:65,551,173, plus strand): 5'-GGGCGGGCCTTACCTGTGACCTGAGTGGGAGCGATCTCTACGGCGCTGCGGGAAGGAGGC[A>G]AGTCCGGCAGGAACCAGCGCATGGTCGGGGGCGAGGGACGGGAGATCAGCTCTGCGGGCG-3'
Protein context (NP_001123616.1, residues 548-568): PPTMRWFLPD[Leu558Ser]PPSRSAVEIA